The following is an entry in ClinVar:

NM_003500.4(ACOX2):c.1719G>C (p.Lys573Asn)

Gene: ACOX2 (acyl-CoA oxidase 2; minus strand). Cytogenetic location: 3p14.3.
Variant type: single nucleotide variant.
Coding change: c.1719G>C on transcript NM_003500.4 (MANE Select); coding-DNA position 1719, G replaced by C.
Protein change: p.Lys573Asn; replaces lysine 573 with asparagine.
Molecular consequence: missense variant.
Genome position (GRCh38, 1-based): chr3:58,517,337, C>G on the plus strand (G>C on the coding strand, the complement: ACOX2 is on the minus strand). VCF-style: chr3-58517337-C-G. GRCh37 (hg19) VCF-style: chr3-58503064-C-G.
Other names: short protein forms K573N.
Identifiers: ClinVar variation 2991457 (VCV002991457.3), dbSNP rs1386990681, ClinGen allele CA353367420.

ClinVar aggregate classification (germline): Uncertain significance (1 of 4 stars; one submission).

Allele frequency attached by ClinVar (database versions not stated): gnomAD exomes below 0.00001; gnomAD 0.00001.
gnomAD v4.1: 2 of 1,614,032 alleles (0.00012%); highest among the groups gnomAD compares: African/African-American, 0.0027%; no homozygotes.

Submission:

Labcorp Genetics (formerly Invitae), Labcorp
Classification: Uncertain significance. Last evaluated: 2025-09-02. Review status: criteria provided, single submitter. Criteria: Invitae Variant Classification Sherloc (09022015). Collection method: clinical testing. Allele origin: germline.
Comment: This sequence change replaces lysine, which is basic and polar, with asparagine, which is neutral and polar, at codon 573 of the ACOX2 protein (p.Lys573Asn). This variant is present in population databases (no rsID available, gnomAD 0.007%). This variant has not been reported in the literature in individuals affected with ACOX2-related conditions. ClinVar contains an entry for this variant (Variation ID: 2991457). Invitae Evidence Modeling of protein sequence and biophysical properties (such as structural, functional, and spatial information, amino acid conservation, physicochemical variation, residue mobility, and thermodynamic stability) indicates that this missense variant is not expected to disrupt ACOX2 protein function with a negative predictive value of 80%. In summary, the available evidence is currently insufficient to determine the role of this variant in disease. Therefore, it has been classified as a Variant of Uncertain Significance.